The following is an entry in ClinVar:

ClinVar aggregate classification (germline): Uncertain significance (1 of 4 stars; one submission).

Conditions:
Cardiovascular phenotype. Identifiers: MedGen CN230736.
Hereditary cancer-predisposing syndrome. Also called: Neoplastic Syndromes, Hereditary; Tumor predisposition; Hereditary Cancer Syndrome; Hereditary neoplastic syndrome. Identifiers: Orphanet 140162, MedGen C0027672, MeSH D009386, MONDO:0015356.

Submission:

Ambry Genetics
Classification: Uncertain significance for Cardiovascular phenotype; Hereditary cancer-predisposing syndrome. Last evaluated: 2025-12-04. Review status: criteria provided, single submitter. Criteria: Ambry Variant Classification Scheme 2023. Collection method: clinical testing. Allele origin: germline.
Comment: The p.E1333A variant (also known as c.3998A>C), located in coding exon 30 of the NF1 gene, results from an A to C substitution at nucleotide position 3998. The glutamic acid at codon 1333 is replaced by alanine, an amino acid with dissimilar properties. This amino acid position is well conserved in available vertebrate species. In addition, the in silico prediction for this alteration is inconclusive. Based on the available evidence, the clinical significance of this variant remains unclear.

NM_001042492.3(NF1):c.3998A>C (p.Glu1333Ala)

Gene: NF1 (neurofibromin 1; plus strand). Cytogenetic location: 17q11.2.
Variant type: single nucleotide variant.
Coding change: c.3998A>C on transcript NM_001042492.3 (MANE Select); coding-DNA position 3998, A replaced by C.
Protein change: p.Glu1333Ala; replaces glutamic acid 1333 with alanine.
Molecular consequence: missense variant.
Genome position (GRCh38, 1-based): chr17:31,249,007, A>C. VCF-style: chr17-31249007-A-C. GRCh37 (hg19) VCF-style: chr17-29576025-A-C.
Other names: c.3998A>C, p.Glu1333Ala (NM_000267.4); short protein forms E1333A.
Identifiers: ClinVar variation 4615826 (VCV004615826.1).